The following is an entry in ClinVar:

NM_001370466.1(NOD2):c.254C>T (p.Ala85Val)

Gene: NOD2 (nucleotide binding oligomerization domain containing 2; plus strand). Cytogenetic location: 16q12.1.
Variant type: single nucleotide variant.
Coding change: c.254C>T on transcript NM_001370466.1 (MANE Select); coding-DNA position 254, C replaced by T.
Protein change: p.Ala85Val; replaces alanine 85 with valine.
Molecular consequence: missense variant. On other transcripts: non-coding transcript variant (1).
Genome position (GRCh38, 1-based): chr16:50,699,749, C>T. VCF-style: chr16-50699749-C-T. GRCh37 (hg19) VCF-style: chr16-50733660-C-T.
Other names: c.254C>T, p.Ala85Val (NM_001293557.2); c.335C>T, p.Ala112Val (NM_022162.3); short protein forms A85V, A112V.
Identifiers: ClinVar variation 4789248 (VCV004789248.1).
Genomic context (GRCh38, chr16:50,699,749, plus strand): 5'-TCTGGAATAAGGGTACTTGGGCCTGTCAGAAGCTCATCGCGGCTGCCCAAGAAGCCCAGG[C>T]CGACAGCCAGTCCCCCAAGCTGCATGGCTGCTGGGACCCCCACTCGCTCCACCCAGCCCG-3'
Protein context (NP_001357395.1, residues 75-95): KLIAAAQEAQ[Ala85Val]DSQSPKLHGC

ClinVar aggregate classification (germline): Uncertain significance (1 of 4 stars; one submission).

Conditions:
Regional enteritis. Also called: Enteritis, Granulomatous. Identifiers: MedGen C0678202, MeSH D003424.
Blau syndrome (BLAUS). Also called: ARTHROCUTANEOUVEAL GRANULOMATOSIS; GRANULOMATOSIS, FAMILIAL JUVENILE SYSTEMIC; GRANULOMATOSIS, FAMILIAL, BLAU TYPE; GRANULOMATOUS INFLAMMATORY ARTHRITIS, DERMATITIS, AND UVEITIS, FAMILIAL; JABS SYNDROME. Identifiers: Orphanet 90340, MedGen C5201146, MONDO:0008523, OMIM 186580.

gnomAD v4.1: 24 of 1,613,924 alleles (0.0015%); highest among the groups gnomAD compares: Admixed American, 0.037%; no homozygotes.

Submission:

Labcorp Genetics (formerly Invitae), Labcorp
Classification: Uncertain significance for Regional enteritis; Blau syndrome. Last evaluated: 2025-10-08. Review status: criteria provided, single submitter. Criteria: Invitae Variant Classification Sherloc (09022015). Collection method: clinical testing. Allele origin: germline.
Comment: This sequence change replaces alanine, which is neutral and non-polar, with valine, which is neutral and non-polar, at codon 112 of the NOD2 protein (p.Ala112Val). This variant is present in population databases (no rsID available, gnomAD 0.01%). This variant has not been reported in the literature in individuals affected with NOD2-related conditions. Invitae Evidence Modeling of protein sequence and biophysical properties (such as structural, functional, and spatial information, amino acid conservation, physicochemical variation, residue mobility, and thermodynamic stability) indicates that this missense variant is not expected to disrupt NOD2 protein function with a negative predictive value of 95%. In summary, the available evidence is currently insufficient to determine the role of this variant in disease. Therefore, it has been classified as a Variant of Uncertain Significance.